The following is an entry in ClinVar:

NM_016256.4(NAGPA):c.982C>T (p.Arg328Cys)

Gene: NAGPA (N-acetylglucosamine-1-phosphodiester alpha-N-acetylglucosaminidase; minus strand). Cytogenetic location: 16p13.3.
Variant type: single nucleotide variant.
Coding change: c.982C>T on transcript NM_016256.4 (MANE Select); coding-DNA position 982, C replaced by T.
Protein change: p.Arg328Cys; replaces arginine 328 with cysteine.
Molecular consequence: missense variant.
Genome position (GRCh38, 1-based): chr16:5,028,124, G>A on the plus strand (C>T on the coding strand, the complement: NAGPA is on the minus strand). VCF-style: chr16-5028124-G-A. GRCh37 (hg19) VCF-style: chr16-5078125-G-A.
Other names: short protein forms R328C.
Identifiers: ClinVar variation 30694 (VCV000030694.18), dbSNP rs139526942, ClinGen allele CA278610.
Genomic context (GRCh38, chr16:5,028,124, plus strand): 5'-TGCATTGGCAGTGCCCGTCCACGCAGGTCCCGTGGCCGTGGCAGTCAGGCGGCTGGCAGC[G>A]GGGTTCGTGCACACACACCACGGTGGACACTTGGCGGGGACAGCGCCACATGTTGTCCTG-3'
Protein context (NP_057340.2, residues 318-338): VSTVVCVHEP[Arg328Cys]CQPPDCHGHG

ClinVar aggregate classification (germline): Conflicting classifications of pathogenicity. Review status: criteria provided, conflicting classifications (1 of 4 stars). 3 submissions from 3 submitters: Uncertain significance (1); Likely benign (1). 1 of the submissions does not count toward it. Last evaluated 2024-08-01.

Conditions:
Stuttering, familial persistent, 2. Identifiers: MedGen C1836484, MONDO:0012232, OMIM 609261.

Allele frequency attached by ClinVar (database versions not stated): 1000 Genomes Project 30x 0.00016; 1000 Genomes Project 0.00020; TOPMed 0.00055; gnomAD 0.00062; ESP Exome Variant Server 0.00077; gnomAD exomes 0.00105; ExAC 0.00129.
gnomAD v4.1: 863 of 1,603,088 alleles (0.054%); highest among the groups gnomAD compares: Middle Eastern, 0.31%; 3 homozygotes.

Submissions (3):

CeGaT Center for Human Genetics Tuebingen
Classification: Likely benign. Last evaluated: 2024-08-01. Review status: criteria provided, single submitter. Criteria: CeGaT Center For Human Genetics Tuebingen Variant Classification Criteria Version 2. Collection method: clinical testing. Allele origin: germline. Affected: yes. Observed: 1 variant allele.
Comment: NAGPA: BP4, BS1

Breakthrough Genomics
Classification: Uncertain significance. Review status: criteria provided, single submitter. Criteria: ACMG Guidelines, 2015. Collection method: not provided. Allele origin: germline. Inheritance: Unknown mechanism. Affected: yes.

OMIM
Classification: Uncertain significance for VARIANT OF UNKNOWN SIGNIFICANCE. Last evaluated: 2011-11-18. Review status: no assertion criteria provided. Collection method: literature only. Allele origin: germline. Not counted in ClinVar's aggregate classification.

Literature cited by the submitters: PubMed 20147709 (cited by OMIM); PubMed 21956109 (cited by OMIM).